The following is an entry in ClinVar:

NM_001353921.2(ARHGEF9):c.1126_1128dup (p.Asp376dup)

Gene: ARHGEF9 (Cdc42 guanine nucleotide exchange factor 9; minus strand). Cytogenetic location: Xq11.1.
Variant type: Duplication.
Coding change: c.1126_1128dup on transcript NM_001353921.2 (MANE Select); coding-DNA positions 1126 to 1128, 3 bases duplicated (GAT; older notation c.1126_1128dupGAT).
Protein change: p.Asp376dup; duplicates aspartic acid 376.
Molecular consequence: inframe insertion. On other transcripts: intron variant (2).
Genome position (GRCh38, 1-based): chrX:63,655,687-63,655,689, ATC duplicated on the plus strand (GAT on the coding strand, the reverse complement: ARHGEF9 is on the minus strand). VCF-style (leftmost placement, unchanged base first): chrX-63655686-T-TATC. GRCh37 (hg19) VCF-style: chrX-62875566-T-TATC.
Other names: c.946_948dup, p.Asp316dup (NM_001173479.2); c.799_801dup, p.Asp267dup (NM_001173480.2, NM_001369042.1); c.1042_1044dup, p.Asp348dup (NM_001330495.2, NM_001369033.1, NM_001369034.1 and 4 more transcripts); c.994_996dup, p.Asp332dup (NM_001353922.2); c.1144_1146dup, p.Asp382dup (NM_001353923.1); c.925_927dup, p.Asp309dup (NM_001353924.2, NM_001353926.2, NM_001369039.1 and 1 more transcripts); c.910_912dup, p.Asp304dup (NM_001353927.2, NM_001369041.1); c.973_975dup, p.Asp325dup (NM_001353928.2); and 3 more.
Identifiers: ClinVar variation 971668 (VCV000971668.10), dbSNP rs2048830256, ClinGen allele CA1139667589.

ClinVar aggregate classification (germline): Uncertain significance. Review status: criteria provided, multiple submitters, no conflicts (2 of 4 stars). 2 submissions from 2 submitters: Uncertain significance (2). Last evaluated 2022-10-17.

Conditions:
Developmental and epileptic encephalopathy, 8 (DEE8). Also called: HYPEREKPLEXIA AND EPILEPSY. Identifiers: Orphanet 163985, Orphanet 2076, MedGen C1845102, MONDO:0010375, OMIM 300607.

Submissions (2):

GeneDx
Classification: Uncertain significance. Last evaluated: 2022-10-17. Review status: criteria provided, single submitter. Criteria: GeneDx Variant Classification Process June 2021. Collection method: clinical testing. Allele origin: germline. Affected: yes.
Comment: Not observed at significant frequency in large population cohorts (gnomAD); In-frame duplication of 1 amino acid in a non-repeat region; Has not been previously published as pathogenic or benign to our knowledge

Labcorp Genetics (formerly Invitae), Labcorp
Classification: Uncertain significance for Developmental and epileptic encephalopathy, 8. Last evaluated: 2019-10-28. Review status: criteria provided, single submitter. Criteria: Invitae Variant Classification Sherloc (09022015). Collection method: clinical testing. Allele origin: germline.
Comment: This variant is not present in population databases (ExAC no frequency). This variant, c.1105_1107dup, results in the insertion of 1 amino acid(s) to the ARHGEF9 protein (p.Asp369dup), but otherwise preserves the integrity of the reading frame. In summary, the available evidence is currently insufficient to determine the role of this variant in disease. Therefore, it has been classified as a Variant of Uncertain Significance. Experimental studies and prediction algorithms are not available or were not evaluated, and the functional significance of this variant is currently unknown. This variant has not been reported in the literature in individuals with ARHGEF9-related conditions.